The following is an entry in ClinVar:

NM_001205293.3(CACNA1E):c.5791G>A (p.Gly1931Ser)

Gene: CACNA1E (calcium voltage-gated channel subunit alpha1 E; plus strand). Cytogenetic location: 1q25.3.
Variant type: single nucleotide variant.
Coding change: c.5791G>A on transcript NM_001205293.3 (MANE Select); coding-DNA position 5791, G replaced by A.
Protein change: p.Gly1931Ser; replaces glycine 1931 with serine.
Molecular consequence: missense variant.
Genome position (GRCh38, 1-based): chr1:181,790,449, G>A. VCF-style: chr1-181790449-G-A. GRCh37 (hg19) VCF-style: chr1-181759585-G-A.
Other names: c.5791G>A, p.Gly1931Ser (NM_000721.4); c.5734G>A, p.Gly1912Ser (NM_001205294.2); short protein forms G1912S, G1931S.
Identifiers: ClinVar variation 2784444 (VCV002784444.5), dbSNP rs1238103479, ClinGen allele CA343631882.
Genomic context (GRCh38, chr1:181,790,449, plus strand): 5'-AATTGCTAGTGGCATGACTGTCCCTCATTACCTCTGGATTTGACATTGCTTTTCAGGAGT[G>A]GCCGGAGTGGATACCCTTCGATGAGTCCACTCTCTCCCCAGGATATATTCCAGTTGGCTT-3'
Protein context (NP_001192222.1, residues 1921-1941): LQQDPVSGLS[Gly1931Ser]RSGYPSMSPL

ClinVar aggregate classification (germline): Conflicting classifications of pathogenicity. Review status: criteria provided, conflicting classifications (1 of 4 stars). 2 submissions from 2 submitters: Uncertain significance (1); Benign (1). Last evaluated 2025-09-02.

Allele frequency attached by ClinVar (database versions not stated): TOPMed below 0.00001; gnomAD 0.00001.

Submissions (2):

Labcorp Genetics (formerly Invitae), Labcorp
Classification: Benign. Last evaluated: 2025-09-02. Review status: criteria provided, single submitter. Criteria: Invitae Variant Classification Sherloc (09022015). Collection method: clinical testing. Allele origin: germline.

Women's Health and Genetics/Laboratory Corporation of America, LabCorp
Classification: Uncertain significance. Last evaluated: 2024-02-29. Review status: criteria provided, single submitter. Criteria: LabCorp Variant Classification Summary - May 2015. Collection method: clinical testing. Allele origin: germline.
Comment: Variant summary: CACNA1E c.5791G>A (p.Gly1931Ser) results in a non-conservative amino acid change in the encoded protein sequence. Four of five in-silico tools predict a benign effect of the variant on protein function. The variant allele was found at a frequency of 4e-06 in 249040 control chromosomes (gnomAD). The available data on variant occurrences in the general population are insufficient to allow any conclusion about variant significance. To our knowledge, no occurrence of c.5791G>A in individuals affected with Epileptic Encephalopathy, Early Infantile, 69 and no experimental evidence demonstrating its impact on protein function have been reported. ClinVar contains an entry for this variant (Variation ID: 2784444). Based on the evidence outlined above, the variant was classified as uncertain significance.